The following is an entry in ClinVar:

NM_000059.4(BRCA2):c.9297T>A (p.Asn3099Lys)

Gene: BRCA2 (BRCA2 DNA repair associated; plus strand). Cytogenetic location: 13q13.1.
Variant type: single nucleotide variant.
Coding change: c.9297T>A on transcript NM_000059.4 (MANE Select); coding-DNA position 9297, T replaced by A.
Protein change: p.Asn3099Lys; replaces asparagine 3099 with lysine.
Molecular consequence: missense variant. On other transcripts: non-coding transcript variant (1).
Genome position (GRCh38, 1-based): chr13:32,394,729, T>A. VCF-style: chr13-32394729-T-A. GRCh37 (hg19) VCF-style: chr13-32968866-T-A.
Other names: c.9201T>A, p.Asn3067Lys (NM_001406719.1); c.9246T>A, p.Asn3082Lys (NM_001406720.1); c.4365T>A, p.Asn1455Lys (NM_001406721.1); c.2880T>A, p.Asn960Lys (NM_001406722.1); c.9297T>A, p.Asn3099Lys (NM_001432077.1); short protein forms N3067K, N960K, N3082K, N1455K, N3099K.
Identifiers: ClinVar variation 3636562 (VCV003636562.2).

ClinVar aggregate classification (germline): Uncertain significance (1 of 4 stars; one submission).

Conditions:
Hereditary breast ovarian cancer syndrome. Also called: Hereditary breast and ovarian cancer syndrome; Hereditary breast and ovarian cancer syndrome (HBOC); BRCA1- and BRCA2-Associated Hereditary Breast and Ovarian Cancer; Hereditary breast and ovarian cancer; Breast and ovarian cancer; Hereditary breast and/or ovarian cancer syndrome. Identifiers: Orphanet 145, MedGen C0677776, MeSH D061325, MONDO:0003582. Disease mechanism: loss of function.

Submission:

Labcorp Genetics (formerly Invitae), Labcorp
Classification: Uncertain significance for Hereditary breast ovarian cancer syndrome. Last evaluated: 2024-05-21. Review status: criteria provided, single submitter. Criteria: Invitae Variant Classification Sherloc (09022015). Collection method: clinical testing. Allele origin: germline.
Comment: This sequence change replaces asparagine, which is neutral and polar, with lysine, which is basic and polar, at codon 3099 of the BRCA2 protein (p.Asn3099Lys). This variant is not present in population databases (gnomAD no frequency). This variant has not been reported in the literature in individuals affected with BRCA2-related conditions. Advanced modeling of protein sequence and biophysical properties (such as structural, functional, and spatial information, amino acid conservation, physicochemical variation, residue mobility, and thermodynamic stability) performed at Invitae indicates that this missense variant is not expected to disrupt BRCA2 protein function with a negative predictive value of 95%. In summary, the available evidence is currently insufficient to determine the role of this variant in disease. Therefore, it has been classified as a Variant of Uncertain Significance.